The following is an entry in ClinVar:

NM_000405.5(GM2A):c.*255C>T

Gene: GM2A (ganglioside GM2 activator; plus strand). Cytogenetic location: 5q33.1.
Variant type: single nucleotide variant.
Coding change: c.*255C>T on transcript NM_000405.5 (MANE Select); 255 bases downstream of the stop codon, C replaced by T.
Molecular consequence: 3 prime UTR variant.
Genome position (GRCh38, 1-based): chr5:151,267,706, C>T. VCF-style: chr5-151267706-C-T. GRCh37 (hg19) VCF-style: chr5-150647267-C-T.
Other names: c.*66C>T (NM_001167607.3).
Identifiers: ClinVar variation 352262 (VCV000352262.5), dbSNP rs75026189, ClinGen allele CA10623798.

ClinVar aggregate classification (germline): Likely benign (1 of 4 stars; one submission).

Conditions:
Tay-Sachs disease, variant AB. Also called: GM2 Activator Deficiency; Gm2-gangliosidosis, ab variant. Identifiers: Orphanet 309246, MedGen C0268275, MONDO:0010099, OMIM 272750.

Allele frequency attached by ClinVar (database versions not stated): gnomAD 0.00016 and 0.00022; TOPMed 0.00023; 1000 Genomes Project 30x 0.00156; 1000 Genomes Project 0.00200.
gnomAD v4.1: 160 of 1,412,426 alleles (0.011%); highest among the groups gnomAD compares: East Asian, 0.44%; no homozygotes.

Submission:

Illumina Laboratory Services, Illumina
Classification: Likely benign for Tay-Sachs disease, variant AB. Last evaluated: 2018-01-12. Review status: criteria provided, single submitter. Criteria: ICSL Variant Classification Criteria 13 December 2019. Collection method: clinical testing. Allele origin: germline.
Comment: This variant was observed in the ICSL laboratory as part of a predisposition screen in an ostensibly healthy population. It had not been previously curated by ICSL or reported in the Human Gene Mutation Database (HGMD: prior to June 1st, 2018), and was therefore a candidate for classification through an automated scoring system. Utilizing variant allele frequency, disease prevalence and penetrance estimates, and inheritance mode, an automated score was calculated to assess if this variant is too frequent to cause the disease. Based on the score and internal cut-off values, a variant classified as likely benign is not then subjected to further curation. The score for this variant resulted in a classification of likely benign for this disease.